The following is an entry in ClinVar:

NM_001267550.2(TTN):c.19697G>C (p.Gly6566Ala)

Gene: TTN (titin; minus strand). Cytogenetic location: 2q31.2.
Variant type: single nucleotide variant.
Coding change: c.19697G>C on transcript NM_001267550.2 (MANE Select); coding-DNA position 19697, G replaced by C.
Protein change: p.Gly6566Ala; replaces glycine 6566 with alanine.
Molecular consequence: missense variant. On other transcripts: intron variant (3).
Genome position (GRCh38, 1-based): chr2:178,728,127, C>G on the plus strand (G>C on the coding strand, the complement: TTN is on the minus strand). VCF-style: chr2-178728127-C-G. GRCh37 (hg19) VCF-style: chr2-179592854-C-G.
Other names: c.18746G>C, p.Gly6249Ala (NM_001256850.1); c.15965G>C, p.Gly5322Ala (NM_133378.4); c.13282+9955G>C (NM_003319.4); c.13858+9955G>C (NM_133437.4); c.13657+9955G>C (NM_133432.3); short protein forms G6566A, G5322A, G6249A.
Identifiers: ClinVar variation 535432 (VCV000535432.7), dbSNP rs1052515116, ClinGen allele CA60976957.

ClinVar aggregate classification (germline): Uncertain significance. Review status: criteria provided, multiple submitters, no conflicts (2 of 4 stars). 3 submissions from 3 submitters: Uncertain significance (3). Last evaluated 2023-03-14.

Conditions:
Autosomal recessive limb-girdle muscular dystrophy type 2J (LGMDR10). Also called: Limb-girdle muscular dystrophy, type 2J; MUSCULAR DYSTROPHY, LIMB-GIRDLE, AUTOSOMAL RECESSIVE 10. Identifiers: Orphanet 140922, MedGen C1837342, MONDO:0012127, OMIM 608807.
Dilated cardiomyopathy 1G (CMD1G). Identifiers: Orphanet 154, MedGen C1858763, MONDO:0011400, OMIM 604145.
TTN-related disorder. Also called: TTN-related disorders; TTN-related condition; TTN-related disease.

Allele frequency attached by ClinVar (database versions not stated): TOPMed 0.00001; gnomAD exomes 0.00006.
gnomAD v4.1: 19 of 1,587,054 alleles (0.0012%); highest among the groups gnomAD compares: Admixed American, 0.03%; no homozygotes.

Submissions (3):

PreventionGenetics, part of Exact Sciences
Classification: Uncertain significance for TTN-related condition. Last evaluated: 2023-03-14. Review status: criteria provided, single submitter. Criteria: ACMG Guidelines, 2015. Collection method: clinical testing. Allele origin: germline.
Comment: The TTN c.19697G>C variant is predicted to result in the amino acid substitution p.Gly6566Ala. To our knowledge, this variant has not been reported in the literature. This variant is reported in 0.034% of alleles in individuals of Latino descent in gnomAD. At this time, the clinical significance of this variant is uncertain due to the absence of conclusive functional and genetic evidence.

Revvity Omics, Revvity
Classification: Uncertain significance. Last evaluated: 2020-10-22. Review status: criteria provided, single submitter. Criteria: ACMG Guidelines, 2015. Collection method: clinical testing. Allele origin: germline.

Labcorp Genetics (formerly Invitae), Labcorp
Classification: Uncertain significance for Dilated cardiomyopathy 1G; Autosomal recessive limb-girdle muscular dystrophy type 2J. Last evaluated: 2017-09-28. Review status: criteria provided, single submitter. Criteria: Invitae Variant Classification Sherloc (09022015). Collection method: clinical testing. Allele origin: germline.